The following is an entry in ClinVar:

ClinVar aggregate classification (germline): Uncertain significance (1 of 4 stars; one submission).

Conditions:
Hajdu-Cheney syndrome (HJCYS). Also called: ACROOSTEOLYSIS WITH OSTEOPOROSIS AND CHANGES IN SKULL AND MANDIBLE; Acroosteolysis dominant type; SERPENTINE FIBULA-POLYCYSTIC KIDNEY SYNDROME. Identifiers: Orphanet 955, MedGen C0917715, MONDO:0007057, OMIM 102500.

Allele frequency attached by ClinVar (database versions not stated): gnomAD 0.00001; gnomAD exomes 0.00001.
gnomAD v4.1: 13 of 1,613,670 alleles (0.00081%); highest among the groups gnomAD compares: African/African-American, 0.0013%; no homozygotes.

Submission:

Labcorp Genetics (formerly Invitae), Labcorp
Classification: Uncertain significance for Hajdu-Cheney syndrome. Last evaluated: 2024-09-16. Review status: criteria provided, single submitter. Criteria: Invitae Variant Classification Sherloc (09022015). Collection method: clinical testing. Allele origin: germline.
Comment: This sequence change falls in intron 7 of the NOTCH2 gene. It does not directly change the encoded amino acid sequence of the NOTCH2 protein. This variant is present in population databases (no rsID available, gnomAD 0.003%). This variant has not been reported in the literature in individuals affected with NOTCH2-related conditions. Algorithms developed to predict the effect of sequence changes on RNA splicing suggest that this variant may disrupt the consensus splice site. In summary, the available evidence is currently insufficient to determine the role of this variant in disease. Therefore, it has been classified as a Variant of Uncertain Significance.

NM_024408.4(NOTCH2):c.1265-6T>G

Gene: NOTCH2 (notch receptor 2; minus strand). Cytogenetic location: 1p12.
Variant type: single nucleotide variant.
Coding change: c.1265-6T>G on transcript NM_024408.4 (MANE Select); 6 bases into the intron before coding-DNA position 1265, T replaced by G.
Molecular consequence: intron variant.
Genome position (GRCh38, 1-based): chr1:119,967,627, A>C on the plus strand (T>G on the coding strand, the complement: NOTCH2 is on the minus strand). VCF-style: chr1-119967627-A-C. GRCh37 (hg19) VCF-style: chr1-120510250-A-C.
Other names: c.1265-6T>G (NM_001200001.2).
Identifiers: ClinVar variation 2796474 (VCV002796474.3), dbSNP rs1553199849, ClinGen allele CA526249873.
Genomic context (GRCh38, chr1:119,967,627, plus strand): 5'-AAGGCGCCATCCGTGTTCACACATTTTCCTGCATGCTCACAAGGATTGCTATTGGCTGAA[A>C]GACACAAGTACCAATTACTGGGATCAAAGCAGTTGAGTTTCCACAAATGTGAACAATAGA-3'